The following is an entry in ClinVar:

NM_025243.4(SLC19A3):c.150+1229C>T

Gene: SLC19A3 (solute carrier family 19 member 3; minus strand). Cytogenetic location: 2q36.3.
Variant type: single nucleotide variant.
Coding change: c.150+1229C>T on transcript NM_025243.4 (MANE Select); 1229 bases into the intron after coding-DNA position 150, C replaced by T.
Molecular consequence: intron variant. On other transcripts: synonymous variant (2).
Genome position (GRCh38, 1-based): chr2:227,700,940, G>A on the plus strand (C>T on the coding strand, the complement: SLC19A3 is on the minus strand). VCF-style: chr2-227700940-G-A. GRCh37 (hg19) VCF-style: chr2-228565656-G-A.
Other names: c.111C>T, p.Ser37= (NM_001371413.1, NM_001371414.1); c.150+1229C>T (NM_001371411.1, NM_001371412.1).
Identifiers: ClinVar variation 3255275 (VCV003255275.2), dbSNP rs11694828.

ClinVar aggregate classification (germline): Benign (1 of 4 stars; one submission).

Allele frequency attached by ClinVar (database versions not stated): 1000 Genomes Project 0.24421; 1000 Genomes Project 30x 0.24813; ExAC 0.31968; TOPMed 0.34908; gnomAD 0.36659; gnomAD exomes 0.43382.
gnomAD v4.1: 552,928 of 1,301,782 alleles (42%); highest among the groups gnomAD compares: Non-Finnish European, 46%; 122,948 homozygotes.

Submission:

Unidad de Genómica Garrahan, Hospital de Pediatría Garrahan
Classification: Benign. Last evaluated: 2024-07-15. Review status: criteria provided, single submitter. Criteria: ACMG Guidelines, 2015. Collection method: clinical testing. Allele origin: germline. Affected: no. Observed: 43 variant alleles.
Comment: This variant is classified as Benign based on local population frequency. This variant was detected in 46% of patients studied in a panel designed for Epileptic and Developmental Encephalopathy and Progressive Myoclonus Epilepsy. Number of patients: 43. Only high quality variants are reported.